The following is an entry in ClinVar:

NM_153816.6(SNX14):c.549+5A>G

Gene: SNX14 (sorting nexin 14; minus strand). Cytogenetic location: 6q14.3.
Variant type: single nucleotide variant.
Coding change: c.549+5A>G on transcript NM_153816.6 (MANE Select); 5 bases into the intron after coding-DNA position 549, A replaced by G.
Molecular consequence: intron variant.
Genome position (GRCh38, 1-based): chr6:85,565,327, T>C on the plus strand (A>G on the coding strand, the complement: SNX14 is on the minus strand). VCF-style: chr6-85565327-T-C. GRCh37 (hg19) VCF-style: chr6-86275045-T-C.
Other names: c.258+6810A>G (NM_001350543.2); c.390+5A>G (NM_001350539.2); c.261+6810A>G (NM_001350542.2); c.105+5A>G (NM_001350546.2, NM_001350545.2); c.-417+5A>G (NM_001350547.2); c.393+5A>G (NM_001350544.2, NM_001304479.2); c.-603+5A>G (NM_001350553.2, NM_001350549.2, NM_001350550.2); c.414+6810A>G (NM_001350537.2); and 7 more.
Identifiers: ClinVar variation 3053324 (VCV003053324.2), dbSNP rs943339141, ClinGen allele CA142031711.

ClinVar aggregate classification (germline): Likely benign (0 of 4 stars; one submission).

Conditions:
SNX14-related disorder. Also called: SNX14-related condition.

Allele frequency attached by ClinVar (database versions not stated): gnomAD exomes below 0.00001; gnomAD 0.00001; TOPMed 0.00001.
gnomAD v4.1: 2 of 1,552,344 alleles (0.00013%); highest among the groups gnomAD compares: African/African-American, 0.0014%; no homozygotes.

Submission:

PreventionGenetics, part of Exact Sciences
Classification: Likely benign for SNX14-related condition. Last evaluated: 2019-08-14. Review status: no assertion criteria provided. Collection method: clinical testing. Allele origin: germline.
Comment: This variant is classified as likely benign based on ACMG/AMP sequence variant interpretation guidelines (Richards et al. 2015 PMID: 25741868, with internal and published modifications).